The following is an entry in ClinVar:

NM_004036.5(ADCY3):c.1665C>T (p.Ala555=)

Gene: ADCY3 (adenylate cyclase 3; minus strand). Cytogenetic location: 2p23.3.
Variant type: single nucleotide variant.
Coding change: c.1665C>T on transcript NM_004036.5 (MANE Select); coding-DNA position 1665, C replaced by T.
Protein change: p.Ala555=; no amino-acid change (alanine 555 retained).
Molecular consequence: synonymous variant.
Genome position (GRCh38, 1-based): chr2:24,834,934, G>A on the plus strand (C>T on the coding strand, the complement: ADCY3 is on the minus strand). VCF-style: chr2-24834934-G-A. GRCh37 (hg19) VCF-style: chr2-25057803-G-A.
Other names: c.1665C>T, p.Ala555= (NM_001320613.2, NM_001377129.1, NM_001377130.1 and 1 more transcripts); c.1731C>T, p.Ala577= (NM_001377128.1); c.942C>T, p.Ala314= (NM_001377131.1).
Identifiers: ClinVar variation 3032792 (VCV003032792.3), dbSNP rs150893710, ClinGen allele CA1554039.
Genomic context (GRCh38, chr2:24,834,934, plus strand): 5'-TCGGTCAGCCAGGTCCTGCAGGCGCAGCCTCCGGCGTGGGTTGGGGAATGAGGGGTTGTC[G>A]GCCTGTGAGCCAGGGAGGCAGCGTGAGTGGGGCAGATGGGACAGAGTGGTGGGGAAGAGC-3'
Protein context (NP_004027.2, residues 545-565): SEKPEEQDAQ[Ala555=]DNPSFPNPRR

ClinVar aggregate classification (germline): Likely benign. Review status: criteria provided, single submitter (1 of 4 stars). 2 submissions from 2 submitters: Likely benign (1). 1 of the submissions does not count toward it. Last evaluated 2025-08-03.

Conditions:
ADCY3-related disorder. Also called: ADCY3-related condition.

Allele frequency attached by ClinVar (database versions not stated): ExAC 0.00002; gnomAD 0.00004; 1000 Genomes Project 30x 0.00016; 1000 Genomes Project 0.00020.
gnomAD v4.1: 82 of 1,613,074 alleles (0.0051%); highest among the groups gnomAD compares: Admixed American, 0.012%; no homozygotes.

Submissions (2):

Labcorp Genetics (formerly Invitae), Labcorp
Classification: Likely benign. Last evaluated: 2025-08-03. Review status: criteria provided, single submitter. Criteria: Invitae Variant Classification Sherloc (09022015). Collection method: clinical testing. Allele origin: germline.

PreventionGenetics, part of Exact Sciences
Classification: Likely benign for ADCY3-related condition. Last evaluated: 2020-09-04. Review status: no assertion criteria provided. Collection method: clinical testing. Allele origin: germline. Not counted in ClinVar's aggregate classification.
Comment: This variant is classified as likely benign based on ACMG/AMP sequence variant interpretation guidelines (Richards et al. 2015 PMID: 25741868, with internal and published modifications).